The following continues an entry in ClinVar:

NM_000257.4(MYH7):c.619A>C (p.Lys207Gln)

Gene: MYH7. ClinVar aggregate classification (germline): Conflicting classifications of pathogenicity. Likely pathogenic (10); Uncertain significance (4).

Submissions 8 to 14 of 14:

All of Us Research Program, National Institutes of Health
Classification: Likely pathogenic for Hypertrophic cardiomyopathy. Last evaluated: 2024-09-27. Review status: criteria provided, single submitter. Criteria: ACMG Guidelines, 2015. Collection method: clinical testing. Allele origin: germline. Inheritance: Autosomal dominant inheritance. Observed: 2 variant alleles, 2 heterozygotes.
Comment: The c.619A>C (p.Lys207Gln) variant in the MYH7 gene has been identified in at least five individuals with Hypertrophic Cardiomyopathy (HCM) (PMID: 24793961, 27247418, 27532257, 25611685, 32894683). Five of these heterozygous individuals have a resting sinus bradycardia, suggesting an alternative phenotypic expression (PMID: 12820698, 15528230). This variant is located in the established functional domain (amino acids 181-937) of the MYH7 protein without benign variations, and missense variants in this region are statistically more likely to be disease-associated (PMID:27532257). In-silico computational prediction tools suggest that this variant may have deleterious effect on the protein function (REVEL score: 0.801). This variant is found to be absent in the general population database (gnomAD) and interpreted as likely pathogenic by several submitters in the ClinVar database (ClinVar ID: 177674). Therefore, the c.619A>C (p.Lys207Gln) variant in the MYH7 gene is classified as likely pathogenic.

This study involves interpretation of variants in research participants for the purpose of population health screening. Participant phenotype was not available at the time of variant classification. Additional details can be found in publication PMID: 35346344, PMCID: PMC8962531

Human Genome Sequencing Center Clinical Lab, Baylor College of Medicine
Classification: Likely pathogenic for hypertrophic cardiomyopathy. Last evaluated: 2023-05-22. Review status: criteria provided, single submitter. Criteria: ACMG Guidelines, 2015. Collection method: clinical testing. Allele origin: unknown.
Comment: The c.619A>C (p.Lys207Gln) variant in the MYH7 gene has been identified in at least five individuals with Hypertrophic Cardiomyopathy (HCM) (PMID: 24793961, 27247418, 27532257, 25611685, 32894683). Five of these heterozygous individuals have a resting sinus bradycardia, suggesting an alternative phenotypic expression (PMID: 12820698, 15528230). This variant is located in the established functional domain (amino acids 181-937) of the MYH7 protein without benign variations, and missense variants in this region are statistically more likely to be disease-associated (PMID:27532257). In-silico computational prediction tools suggest that this variant may have deleterious effect on the protein function (REVEL score: 0.801). This variant is found to be absent in the general population database (gnomAD) and interpreted as likely pathogenic by several submitters in the ClinVar database (ClinVar ID: 177674). Therefore, the c.619A>C (p.Lys207Gln) variant in the MYH7 gene is classified as likely pathogenic.

Blueprint Genetics
Classification: Uncertain significance. Last evaluated: 2021-06-22. Review status: criteria provided, single submitter. Criteria: ACMG Guidelines, 2015. Collection method: clinical testing. Allele origin: germline.

CHEO Genetics Diagnostic Laboratory, Children's Hospital of Eastern Ontario
Classification: Likely pathogenic for Cardiomyopathy. Last evaluated: 2021-03-10. Review status: criteria provided, single submitter. Criteria: ACMG Guidelines, 2015. Collection method: clinical testing. Allele origin: germline.

Laboratory for Molecular Medicine, Mass General Brigham Personalized Medicine
Classification: Likely pathogenic for Hypertrophic cardiomyopathy. Last evaluated: 2020-06-25. Review status: criteria provided, single submitter. Criteria: ACMG Guidelines, 2015. Collection method: clinical testing. Allele origin: germline.
Comment: proposed classification - variant undergoing re-assessment, contact laboratory

Women's Health and Genetics/Laboratory Corporation of America, LabCorp
Classification: Likely pathogenic for Primary familial hypertrophic cardiomyopathy. Last evaluated: 2018-10-22. Review status: criteria provided, single submitter. Criteria: LabCorp Variant Classification Summary - May 2015. Collection method: clinical testing. Allele origin: germline.
Comment: Variant summary: MYH7 c.619A>C (p.Lys207Gln) results in a conservative amino acid change located in the Myosin head, motor domain (IPR001609) and is found in a surface loop that spans the entrance to the ATP-binding pocket (Alpert 2005). Three of five in-silico tools predict a damaging effect of the variant on protein function. The variant was absent in 246666 control chromosomes (gnomAD and publication data). c.619A>C has been reported in the literature in a family with a homozygous individual affected with Hypertrophic Cardiomyopathy (HCM) that later seemed to transition into Dilated Cardiomyopathy (DCM); although the variant was found in several family members in heterozygosity, only one of them was affected by HCM (Mohiddin 2003, Alpert 2005). The variant was also reported to be found in HCM patient cohorts in heterozygous state (Bos 2014, Homburger 2016, Walsh 2017). These data indicate that the variant is very likely to be associated with disease. At least one publication reports experimental evidence evaluating an impact on protein function, characterizing skeletal muscle myosin from biceps muscles of the homozygous patient, however, this study does not allow convincing conclusions about the variant effect (Alpert 2005). Two clinical diagnostic laboratories have submitted clinical-significance assessments for this variant to ClinVar after 2014 without evidence for independent evaluation. One laboratory classified the variant as likely pathogenic, and the other laboratory classified the variant as uncertain significance. Based on the evidence outlined above, the variant was classified as likely pathogenic.

Stanford Center for Inherited Cardiovascular Disease, Stanford University
Classification: Uncertain significance. Last evaluated: 2014-07-24. Review status: criteria provided, single submitter. Criteria: ACMG Guidelines, 2015. Collection method: provider interpretation. Allele origin: germline.

Literature cited by the submitters: PubMed 12820698 (cited by 6 submitters); PubMed 15528230 (cited by 6 submitters); PubMed 24793961 (cited by 5 submitters); PubMed 27247418 (cited by 6 submitters); PubMed 27532257 (cited by 5 submitters); PubMed 32894683 (cited by 3 submitters); PubMed 30297972 (cited by Color Diagnostics, LLC DBA Color Health); PubMed 25611685 (cited by All of Us Research Program, National Institutes of Health); PubMed 21310275 (cited by Laboratory for Molecular Medicine, Mass General Brigham Personalized Medicine); PubMed 28420666 (cited by Laboratory for Molecular Medicine, Mass General Brigham Personalized Medicine and Women's Health and Genetics/Laboratory Corporation of America, LabCorp).